The following is an entry in ClinVar:

NM_002076.4(GNS):c.1598G>A (p.Arg533His)

Gene: GNS (glucosamine (N-acetyl)-6-sulfatase; minus strand). Cytogenetic location: 12q14.3.
Variant type: single nucleotide variant.
Coding change: c.1598G>A on transcript NM_002076.4 (MANE Select); coding-DNA position 1598, G replaced by A.
Protein change: p.Arg533His; replaces arginine 533 with histidine.
Molecular consequence: missense variant.
Genome position (GRCh38, 1-based): chr12:64,716,802, C>T on the plus strand (G>A on the coding strand, the complement: GNS is on the minus strand). VCF-style: chr12-64716802-C-T. GRCh37 (hg19) VCF-style: chr12-65110582-C-T.
Other names: p.Arg533His; short protein forms R533H.
Identifiers: ClinVar variation 258550 (VCV000258550.21), dbSNP rs61743822, ClinGen allele CA6669625.

ClinVar aggregate classification (germline): Benign/Likely benign. Review status: criteria provided, multiple submitters, no conflicts (2 of 4 stars). 7 submissions from 7 submitters: Benign (4); Likely benign (2). 1 of the submissions does not count toward it. Last evaluated 2026-02-03.

Conditions:
Sanfilippo syndrome. Also called: Sanfilippo disease; Mucopolysaccharidosis type 3; Mucopolysaccharidosis Type III. Identifiers: Orphanet 581, MedGen C0026706, MONDO:0018937.
Mucopolysaccharidosis, MPS-III-D (MPS3D). Also called: N-ACETYLGLUCOSAMINE-6-SULFATASE DEFICIENCY; MUCOPOLYSACCHARIDOSIS, TYPE IIID; SANFILIPPO SYNDROME D; MPS IIID (Sanfilippo Syndrome Type D); MPS III D; Mucopoly-saccharidosis type 3D. Identifiers: Orphanet 581, Orphanet 79272, MedGen C0086650, MONDO:0009658, OMIM 252940.

Allele frequency attached by ClinVar (database versions not stated): gnomAD 0.00879 and 0.00929; TOPMed 0.00967; 1000 Genomes Project 30x 0.01468; gnomAD exomes 0.00085 and 0.00239; ESP Exome Variant Server 0.00884; ExAC 0.00300; 1000 Genomes Project 0.01358.
gnomAD v4.1: 2,635 of 1,612,248 alleles (0.16%); highest among the groups gnomAD compares: African/African-American, 3.1%; 35 homozygotes.

Submissions (7):

Labcorp Genetics (formerly Invitae), Labcorp
Classification: Benign for Mucopolysaccharidosis, MPS-III-D. Last evaluated: 2026-02-03. Review status: criteria provided, single submitter. Criteria: Invitae Variant Classification Sherloc (09022015). Collection method: clinical testing. Allele origin: germline.

Fulgent Genetics
Classification: Likely benign for Mucopolysaccharidosis, MPS-III-D. Last evaluated: 2022-04-01. Review status: criteria provided, single submitter. Criteria: ACMG Guidelines, 2015. Collection method: clinical testing. Allele origin: unknown.

GeneDx
Classification: Likely benign. Last evaluated: 2021-02-12. Review status: criteria provided, single submitter. Criteria: GeneDx Variant Classification Process June 2021. Collection method: clinical testing. Allele origin: germline. Affected: yes.

Mayo Clinic Laboratories, Mayo Clinic
Classification: Benign. Last evaluated: 2019-01-04. Review status: criteria provided, single submitter. Criteria: ACMG Guidelines, 2015. Collection method: clinical testing. Allele origin: germline. Observed: 11 variant alleles.

Illumina Laboratory Services, Illumina
Classification: Benign for Mucopolysaccharidosis, MPS-III-D. Last evaluated: 2018-01-12. Review status: criteria provided, single submitter. Criteria: ICSL Variant Classification Criteria 13 December 2019. Collection method: clinical testing. Allele origin: germline.
Comment: This variant was observed in the ICSL laboratory as part of a predisposition screen in an ostensibly healthy population. It had not been previously curated by ICSL or reported in the Human Gene Mutation Database (HGMD: prior to June 1st, 2018), and was therefore a candidate for classification through an automated scoring system. Utilizing variant allele frequency, disease prevalence and penetrance estimates, and inheritance mode, an automated score was calculated to assess if this variant is too frequent to cause the disease. Based on the score and internal cut-off values, a variant classified as benign is not then subjected to further curation. The score for this variant resulted in a classification of benign for this disease.

PreventionGenetics, part of Exact Sciences
Classification: Benign. Review status: criteria provided, single submitter. Criteria: ACMG Guidelines, 2015. Collection method: clinical testing. Allele origin: germline.

Natera, Inc.
Classification: Benign for Sanfilippo disease. Last evaluated: 2020-09-16. Review status: no assertion criteria provided. Collection method: clinical testing. Allele origin: germline. Not counted in ClinVar's aggregate classification.